The following is an entry in ClinVar:

NM_004928.3(CFAP410):c.532G>A (p.Glu178Lys)

Gene: CFAP410 (cilia and flagella associated protein 410; minus strand). Cytogenetic location: 21q22.3.
Variant type: single nucleotide variant.
Coding change: c.532G>A on transcript NM_004928.3 (MANE Select); coding-DNA position 532, G replaced by A.
Protein change: p.Glu178Lys; replaces glutamic acid 178 with lysine.
Molecular consequence: missense variant.
Genome position (GRCh38, 1-based): chr21:44,331,856, C>T on the plus strand (G>A on the coding strand, the complement: CFAP410 is on the minus strand). VCF-style: chr21-44331856-C-T. GRCh37 (hg19) VCF-style: chr21-45751739-C-T.
Other names: c.532G>A, p.Glu178Lys (NM_001271440.2, NM_001271441.2); c.409G>A, p.Glu137Lys (NM_001271442.1); c.532G>A (NM_004928.2); short protein forms E178K, E137K.
Identifiers: ClinVar variation 1410451 (VCV001410451.8), dbSNP rs752479202, ClinGen allele CA10053641.

ClinVar aggregate classification (germline): Uncertain significance. Review status: criteria provided, multiple submitters, no conflicts (2 of 4 stars). 2 submissions from 2 submitters: Uncertain significance (2). Last evaluated 2024-01-18.

Conditions:
Inborn genetic diseases. Identifiers: MedGen C0950123, MeSH D030342.

Allele frequency attached by ClinVar (database versions not stated): ExAC 0.00003; gnomAD 0.00004; gnomAD exomes 0.00004.
gnomAD v4.1: 58 of 1,611,084 alleles (0.0036%); highest among the groups gnomAD compares: Admixed American, 0.0083%; no homozygotes.

Submissions (2):

Labcorp Genetics (formerly Invitae), Labcorp
Classification: Uncertain significance. Last evaluated: 2024-01-18. Review status: criteria provided, single submitter. Criteria: Invitae Variant Classification Sherloc (09022015). Collection method: clinical testing. Allele origin: germline.
Comment: This sequence change replaces glutamic acid, which is acidic and polar, with lysine, which is basic and polar, at codon 178 of the CFAP410 protein (p.Glu178Lys). This variant is present in population databases (rs752479202, gnomAD 0.006%). This variant has not been reported in the literature in individuals affected with CFAP410-related conditions. ClinVar contains an entry for this variant (Variation ID: 1410451). Advanced modeling of protein sequence and biophysical properties (such as structural, functional, and spatial information, amino acid conservation, physicochemical variation, residue mobility, and thermodynamic stability) performed at Invitae indicates that this missense variant is not expected to disrupt CFAP410 protein function with a negative predictive value of 80%. In summary, the available evidence is currently insufficient to determine the role of this variant in disease. Therefore, it has been classified as a Variant of Uncertain Significance.

Ambry Genetics
Classification: Uncertain significance for Inborn genetic diseases. Last evaluated: 2021-07-09. Review status: criteria provided, single submitter. Criteria: Ambry Variant Classification Scheme 2023. Collection method: clinical testing. Allele origin: germline.